The following is an entry in ClinVar:

NM_006904.7(PRKDC):c.3974A>G (p.Gln1325Arg)

Gene: PRKDC (protein kinase, DNA-activated, catalytic subunit; minus strand). Cytogenetic location: 8q11.21.
Variant type: single nucleotide variant.
Coding change: c.3974A>G on transcript NM_006904.7 (MANE Select); coding-DNA position 3974, A replaced by G.
Protein change: p.Gln1325Arg; replaces glutamine 1325 with arginine.
Molecular consequence: missense variant.
Genome position (GRCh38, 1-based): chr8:47,890,354, T>C on the plus strand (A>G on the coding strand, the complement: PRKDC is on the minus strand). VCF-style: chr8-47890354-T-C. GRCh37 (hg19) VCF-style: chr8-48802915-T-C.
Other names: c.3974A>G, p.Gln1325Arg (NM_001081640.2); short protein forms Q1325R.
Identifiers: ClinVar variation 1736635 (VCV001736635.2), dbSNP rs2551873946, ClinGen allele CA371148663.

ClinVar aggregate classification (germline): Uncertain significance (1 of 4 stars; one submission).

gnomAD v4.1: 1 of 1,613,520 alleles (0.000062%); highest among the groups gnomAD compares: Non-Finnish European, 0.000085%; no homozygotes.

Submission:

Ambry Genetics
Classification: Uncertain significance. Last evaluated: 2022-10-11. Review status: criteria provided, single submitter. Criteria: Ambry Variant Classification Scheme 2023. Collection method: clinical testing. Allele origin: germline.
Comment: The p.Q1325R variant (also known as c.3974A>G), located in coding exon 32 of the PRKDC gene, results from an A to G substitution at nucleotide position 3974. The glutamine at codon 1325 is replaced by arginine, an amino acid with highly similar properties. This amino acid position is conserved. Since supporting evidence is limited at this time, the clinical significance of this alteration remains unclear.